The following is an entry in ClinVar:

NM_000051.4(ATM):c.7708G>T (p.Glu2570Ter)

Genes: C11orf65 (chromosome 11 open reading frame 65; minus strand), ATM (ATM serine/threonine kinase; plus strand). Cytogenetic location: 11q22.3.
Variant type: single nucleotide variant.
Coding change: c.7708G>T on transcript NM_000051.4 (MANE Select); coding-DNA position 7708, G replaced by T.
Protein change: p.Glu2570Ter; replaces glutamic acid 2570 with a stop codon.
Molecular consequence: nonsense. On other transcripts: intron variant (2).
Genome position (GRCh38, 1-based): chr11:108,331,957, G>T. VCF-style: chr11-108331957-G-T. GRCh37 (hg19) VCF-style: chr11-108202684-G-T.
Other names: c.7708G>T, p.Glu2570Ter (NM_001351834.2); c.641-22886C>A (NM_001330368.2); c.*38+3263C>A (NM_001351110.2); short protein forms E2570*.
Identifiers: ClinVar variation 558735 (VCV000558735.8), dbSNP rs1555124587, ClinGen allele CA382561053.
Genomic context (GRCh38, chr11:108,331,957, plus strand): 5'-ATGGATCACCCCCATCACACTTTGTTTATTATACTGGCCTTAGCAAATGCAAACAGAGAT[G>T]AATTTCTGACTAAACCAGAGGTAGCCAGAAGAAGCAGAATAACTAAAAATGTGCCTAAAC-3'

ClinVar aggregate classification (germline): Pathogenic/Likely pathogenic. Review status: criteria provided, multiple submitters, no conflicts (2 of 4 stars). 3 submissions from 3 submitters: Pathogenic (2); Likely pathogenic (1). Last evaluated 2024-01-31.

Conditions:
Hereditary cancer-predisposing syndrome. Also called: Hereditary Cancer Syndrome; Neoplastic Syndromes, Hereditary; Tumor predisposition; Hereditary neoplastic syndrome. Identifiers: Orphanet 140162, MedGen C0027672, MeSH D009386, MONDO:0015356.
Hereditary breast ovarian cancer syndrome. Also called: Breast and ovarian cancer; Hereditary breast and ovarian cancer syndrome; Hereditary breast and ovarian cancer; Hereditary breast and ovarian cancer syndrome (HBOC); Hereditary breast and/or ovarian cancer syndrome; BRCA1- and BRCA2-Associated Hereditary Breast and Ovarian Cancer. Identifiers: Orphanet 145, MedGen C0677776, MeSH D061325, MONDO:0003582. Disease mechanism: loss of function.
Familial cancer of breast. Also called: BREAST CANCER, FAMILIAL; Hereditary breast cancer; hereditary breast carcinoma. Identifiers: Orphanet 227535, MedGen C0346153, MONDO:0016419, OMIM 114480. Disease mechanism: loss of function.

Submissions (3):

Myriad Genetics, Inc.
Classification: Pathogenic for Familial cancer of breast. Last evaluated: 2024-01-31. Review status: criteria provided, single submitter. Criteria: Myriad Autosomal Dominant, Autosomal Recessive and X-Linked Classification Criteria (2023). Collection method: clinical testing. Allele origin: unknown.
Comment: This variant is considered pathogenic. This variant creates a termination codon and is predicted to result in premature protein truncation.

Genomics Laboratory, Virgen de la Arrixaca University Clinical Hospital
Classification: Likely pathogenic for Hereditary breast and ovarian cancer syndrome. Last evaluated: 2018-07-27. Review status: criteria provided, single submitter. Criteria: ACMG Guidelines, 2015. Collection method: clinical testing. Allele origin: germline. Affected: yes. Observed: 1 variant allele.

Ambry Genetics
Classification: Pathogenic for Hereditary cancer-predisposing syndrome. Last evaluated: 2018-04-13. Review status: criteria provided, single submitter. Criteria: Ambry Variant Classification Scheme 2023. Collection method: clinical testing. Allele origin: germline.
Comment: The p.E2570* pathogenic mutation (also known as c.7708G>T), located in coding exon 51 of the ATM gene, results from a G to T substitution at nucleotide position 7708. This changes the amino acid from a glutamic acid to a stop codon within coding exon 51. This alteration is expected to result in loss of function by premature protein truncation or nonsense-mediated mRNA decay. As such, this alteration is interpreted as a disease-causing mutation.